The following is an entry in ClinVar:

ClinVar aggregate classification (germline): Likely benign. Review status: criteria provided, multiple submitters, no conflicts (2 of 4 stars). 2 submissions from 2 submitters: Likely benign (2). Last evaluated 2023-09-04.

Allele frequency attached by ClinVar (database versions not stated): gnomAD 0.00001.
gnomAD v4.1: 2 of 1,613,646 alleles (0.00012%); highest among the groups gnomAD compares: African/African-American, 0.0027%; no homozygotes.

Submissions (2):

Blueprint Genetics
Classification: Likely benign. Last evaluated: 2023-09-04. Review status: criteria provided, single submitter. Criteria: ACMG Guidelines, 2015. Collection method: clinical testing. Allele origin: germline.

GeneDx
Classification: Likely benign. Last evaluated: 2018-04-10. Review status: criteria provided, single submitter. Criteria: GeneDx Variant Classification (06012015). Collection method: clinical testing. Allele origin: germline. Affected: yes.
Comment: This variant is considered likely benign or benign based on one or more of the following criteria: it is a conservative change, it occurs at a poorly conserved position in the protein, it is predicted to be benign by multiple in silico algorithms, and/or has population frequency not consistent with disease.

NM_002473.6(MYH9):c.4558-7G>C

Gene: MYH9 (myosin heavy chain 9; minus strand). Cytogenetic location: 22q12.3.
Variant type: single nucleotide variant.
Coding change: c.4558-7G>C on transcript NM_002473.6 (MANE Select); 7 bases into the intron before coding-DNA position 4558, G replaced by C.
Molecular consequence: intron variant.
Genome position (GRCh38, 1-based): chr22:36,288,946, C>G on the plus strand (G>C on the coding strand, the complement: MYH9 is on the minus strand). VCF-style: chr22-36288946-C-G. GRCh37 (hg19) VCF-style: chr22-36684992-C-G.
Identifiers: ClinVar variation 681391 (VCV000681391.2), dbSNP rs1320279199, ClinGen allele CA639392332.